The following is an entry in ClinVar:

ClinVar aggregate classification (germline): Uncertain significance. Review status: criteria provided, multiple submitters, no conflicts (2 of 4 stars). 2 submissions from 2 submitters: Uncertain significance (2). Last evaluated 2026-01-23.

Conditions:
Cardiomyopathy (CMYO). Also called: Cardiomyopathies. Identifiers: Orphanet 167848, MedGen C0878544, MONDO:0004994, HP:0001638. Inheritance: Various modes of inheritance.
Catecholaminergic polymorphic ventricular tachycardia 1. Also called: RYR2-Related Catecholaminergic Polymorphic Ventricular Tachycardia; VENTRICULAR TACHYCARDIA, STRESS-INDUCED POLYMORPHIC 1; VENTRICULAR TACHYCARDIA, CATECHOLAMINERGIC POLYMORPHIC, 1, WITH OR WITHOUT ATRIAL DYSFUNCTION AND/OR DILATED CARDIOMYOPATHY. Identifiers: Orphanet 3286, MedGen C1631597, MONDO:0011484, OMIM 604772.

gnomAD v4.1: 3 of 1,603,292 alleles (0.00019%); highest among the groups gnomAD compares: African/African-American, 0.0027%; no homozygotes.

Submissions (2):

Labcorp Genetics (formerly Invitae), Labcorp
Classification: Uncertain significance for Catecholaminergic polymorphic ventricular tachycardia 1. Last evaluated: 2026-01-23. Review status: criteria provided, single submitter. Criteria: Invitae Variant Classification Sherloc (09022015). Collection method: clinical testing. Allele origin: germline.
Comment: This sequence change replaces glycine, which is neutral and non-polar, with valine, which is neutral and non-polar, at codon 432 of the RYR2 protein (p.Gly432Val). This variant is not present in population databases (gnomAD no frequency). This variant has not been reported in the literature in individuals affected with RYR2-related conditions. An algorithm developed to predict the effect of missense changes on protein structure and function (PolyPhen-2) suggests that this variant is likely to be tolerated. In summary, the available evidence is currently insufficient to determine the role of this variant in disease. Therefore, it has been classified as a Variant of Uncertain Significance.

Color Diagnostics, LLC DBA Color Health
Classification: Uncertain significance for Cardiomyopathy. Last evaluated: 2025-10-28. Review status: criteria provided, single submitter. Criteria: ACMG Guidelines, 2015. Collection method: clinical testing. Allele origin: germline.
Comment: This missense variant replaces glycine with valine at codon 432 of the RYR2 protein. Computational prediction suggests that this variant may have deleterious impact on protein structure and function. To our knowledge, functional studies have not been reported for this variant. This variant has not been reported in individuals affected with RYR2-related disorders in the literature. This variant has been identified in 3/1603292 chromosomes in the general population by the Genome Aggregation Database (gnomAD). The available evidence is insufficient to determine the role of this variant in disease conclusively. Therefore, this variant is classified as a Variant of Uncertain Significance.

NM_001035.3(RYR2):c.1295G>T (p.Gly432Val)

Gene: RYR2 (ryanodine receptor 2; plus strand). Cytogenetic location: 1q43.
Variant type: single nucleotide variant.
Coding change: c.1295G>T on transcript NM_001035.3 (MANE Select); coding-DNA position 1295, G replaced by T.
Protein change: p.Gly432Val; replaces glycine 432 with valine.
Molecular consequence: missense variant.
Genome position (GRCh38, 1-based): chr1:237,454,393, G>T. VCF-style: chr1-237454393-G-T. GRCh37 (hg19) VCF-style: chr1-237617693-G-T.
Other names: short protein forms G432V.
Identifiers: ClinVar variation 4690975 (VCV004690975.1).